The following is an entry in ClinVar:

NM_001252024.2(TRPM1):c.2365C>T (p.Arg789Cys)

Gene: TRPM1 (transient receptor potential cation channel subfamily M member 1; minus strand). Cytogenetic location: 15q13.3.
Variant type: single nucleotide variant.
Coding change: c.2365C>T on transcript NM_001252024.2 (MANE Select); coding-DNA position 2365, C replaced by T.
Protein change: p.Arg789Cys; replaces arginine 789 with cysteine.
Molecular consequence: missense variant.
Genome position (GRCh38, 1-based): chr15:31,038,118, G>A on the plus strand (C>T on the coding strand, the complement: TRPM1 is on the minus strand). VCF-style: chr15-31038118-G-A. GRCh37 (hg19) VCF-style: chr15-31330321-G-A.
Other names: c.2416C>T, p.Arg806Cys (NM_001252020.2); c.2299C>T, p.Arg767Cys (NM_002420.6); c.2299C>T (NM_002420.4); short protein forms R806C, R767C, R789C.
Identifiers: ClinVar variation 936864 (VCV000936864.6), dbSNP rs375687882, ClinGen allele CA7452236.

ClinVar aggregate classification (germline): Uncertain significance. Review status: criteria provided, multiple submitters, no conflicts (2 of 4 stars). 3 submissions from 3 submitters: Uncertain significance (3). Last evaluated 2024-10-30.

Conditions:
Inborn genetic diseases. Identifiers: MedGen C0950123, MeSH D030342.

Allele frequency attached by ClinVar (database versions not stated): gnomAD 0.00005 and 0.00006; gnomAD exomes 0.00006 and 0.00008; ESP Exome Variant Server 0.00008; TOPMed 0.00008; ExAC 0.00010.
gnomAD v4.1: 99 of 1,613,876 alleles (0.0061%); highest among the groups gnomAD compares: Non-Finnish European, 0.0074%; no homozygotes.

Submissions (3):

Blueprint Genetics
Classification: Uncertain significance. Last evaluated: 2024-10-30. Review status: criteria provided, single submitter. Criteria: ACMG Guidelines, 2015. Collection method: clinical testing. Allele origin: germline.

Ambry Genetics
Classification: Uncertain significance for Inborn genetic diseases. Last evaluated: 2023-12-27. Review status: criteria provided, single submitter. Criteria: Ambry Variant Classification Scheme 2023. Collection method: clinical testing. Allele origin: germline.

Labcorp Genetics (formerly Invitae), Labcorp
Classification: Uncertain significance. Last evaluated: 2022-07-06. Review status: criteria provided, single submitter. Criteria: Invitae Variant Classification Sherloc (09022015). Collection method: clinical testing. Allele origin: germline.
Comment: This sequence change replaces arginine, which is basic and polar, with cysteine, which is neutral and slightly polar, at codon 767 of the TRPM1 protein (p.Arg767Cys). This variant is present in population databases (rs375687882, gnomAD 0.01%). This variant has not been reported in the literature in individuals affected with TRPM1-related conditions. ClinVar contains an entry for this variant (Variation ID: 936864). Algorithms developed to predict the effect of missense changes on protein structure and function (SIFT, PolyPhen-2, Align-GVGD) all suggest that this variant is likely to be disruptive. In summary, the available evidence is currently insufficient to determine the role of this variant in disease. Therefore, it has been classified as a Variant of Uncertain Significance.